The following is an entry in ClinVar:

NM_023110.3(FGFR1):c.251AGG[4] (p.Glu85_Val86insGluGlu)

Gene: FGFR1 (fibroblast growth factor receptor 1; minus strand). Cytogenetic location: 8p11.23.
Variant type: Microsatellite.
Coding change: c.251AGG[4] on transcript NM_023110.3 (MANE Select); four copies in a row of the 3-base unit AGG starting at c.251; the reference has two copies in a row; two copies, 6 bases duplicated.
Protein change: p.Glu85_Val86insGluGlu.
Molecular consequence: intron variant (on NM_001354368.2).
Genome position (GRCh38, 1-based): chr8:38,429,784-38,429,789, CCTCCT duplicated on the plus strand (AGGAGG on the coding strand, the reverse complement: FGFR1 is on the minus strand); duplicating any 6 consecutive bases within chr8:38,429,784-38,429,791 gives the same sequence; the position shown is the placement nearest the transcript's 3' end. VCF-style (leftmost placement, unchanged base first): chr8-38429783-A-ACCTCCT. GRCh37 (hg19) VCF-style: chr8-38287301-A-ACCTCCT.
Other names: c.251AGG[4], p.Glu85_Val86insGluGlu (NM_001174063.2, NM_001174065.2, NM_001354367.2 and 3 more transcripts); c.227AGG[4], p.Glu77_Val78insGluGlu (NM_001174064.2); c.350AGG[4], p.Glu118_Val119insGluGlu (NM_001174067.2); c.92-1354AGG[4] (NM_001354368.2, NM_001354370.2, NM_023106.3 and 2 more transcripts); c.251_256dupAGGAGG (NM_023110.3).
Identifiers: ClinVar variation 4525721 (VCV004525721.1).
Genomic context (GRCh38, chr8:38,429,783, plus strand): 5'-GGGCTGCTGGTTACGCAAGCATAGAGGCCGGAGTCTGCGGGCACGGAGTCCTGCACCTCC[A>ACCTCCT]CCTCCTCCCCTGTGATGCGGGTGCGGTTGCTTTCCGCCAGCTGCACCCCGTCCCGCAGCC-3'

ClinVar aggregate classification (germline): Uncertain significance (1 of 4 stars; one submission).

Submission:

Women's Health and Genetics/Laboratory Corporation of America, LabCorp
Classification: Uncertain significance. Last evaluated: 2025-07-21. Review status: criteria provided, single submitter. Criteria: LabCorp Variant Classification Summary - May 2015. Collection method: clinical testing. Allele origin: germline.
Comment: Variant summary: FGFR1 c.251_256dupAGGAGG (p.Glu84_Glu85dup) results in an in-frame duplication that is predicted to duplicate 2 amino acids into the encoded protein. The variant was absent in 245670 control chromosomes (gnomAD). The available data on variant occurrences in the general population are insufficient to allow any conclusion about variant significance. To our knowledge, no occurrence of c.251_256dupAGGAGG in individuals affected with FGFR1-Related Disorders and no experimental evidence demonstrating its impact on protein function have been reported. No submitters have cited clinical-significance assessments for this variant to ClinVar. Based on the evidence outlined above, the variant was classified as uncertain significance.